The following is an entry in ClinVar:

ClinVar aggregate classification (germline): Pathogenic (1 of 4 stars; one submission).

Conditions:
Imerslund-Grasbeck syndrome. Also called: Imerslund-Gräsbeck syndrome; PERNICIOUS ANEMIA, JUVENILE, DUE TO SELECTIVE INTESTINAL MALABSORPTION OF VITAMIN B12, WITH PROTEINURIA; ENTEROCYTE COBALAMIN MALABSORPTION; ENTEROCYTE INTRINSIC FACTOR RECEPTOR, DEFECT OF; Megaloblastic anemia due to inborn errors of metabolism. Identifiers: Orphanet 35858, MedGen C4551825, MONDO:0009853.

Allele frequency attached by ClinVar (database versions not stated): gnomAD exomes below 0.00001.
gnomAD v4.1: 2 of 1,614,058 alleles (0.00012%); highest among the groups gnomAD compares: Non-Finnish European, 0.000085%; no homozygotes.

Submission:

Labcorp Genetics (formerly Invitae), Labcorp
Classification: Pathogenic for Imerslund-Grasbeck syndrome. Last evaluated: 2020-04-01. Review status: criteria provided, single submitter. Criteria: Invitae Variant Classification Sherloc (09022015). Collection method: clinical testing. Allele origin: germline.
Comment: Loss-of-function variants in CUBN are known to be pathogenic (PMID: 15024727, 22929189). For these reasons, this variant has been classified as Pathogenic. This variant has not been reported in the literature in individuals with CUBN-related conditions. This sequence change creates a premature translational stop signal (p.Gly2351*) in the CUBN gene. It is expected to result in an absent or disrupted protein product. This variant is not present in population databases (ExAC no frequency).

Literature cited by the submitters: PubMed 15024727; PubMed 22929189.

NM_001081.4(CUBN):c.7051G>T (p.Gly2351Ter)

Gene: CUBN (cubilin; minus strand). Cytogenetic location: 10p13.
Variant type: single nucleotide variant.
Coding change: c.7051G>T on transcript NM_001081.4 (MANE Select); coding-DNA position 7051, G replaced by T.
Protein change: p.Gly2351Ter; replaces glycine 2351 with a stop codon.
Molecular consequence: nonsense.
Genome position (GRCh38, 1-based): chr10:16,915,980, C>A on the plus strand (G>T on the coding strand, the complement: CUBN is on the minus strand). VCF-style: chr10-16915980-C-A. GRCh37 (hg19) VCF-style: chr10-16957979-C-A.
Other names: short protein forms G2351*.
Identifiers: ClinVar variation 1074985 (VCV001074985.7), dbSNP rs2131458386, ClinGen allele CA376146794.